The following is an entry in ClinVar:

ClinVar aggregate classification (germline): Likely benign. Review status: criteria provided, multiple submitters, no conflicts (2 of 4 stars). 2 submissions from 2 submitters: Likely benign (2). Last evaluated 2021-11-10.

Conditions:
Hereditary cancer-predisposing syndrome. Also called: Neoplastic Syndromes, Hereditary; Hereditary Cancer Syndrome; Tumor predisposition; Hereditary neoplastic syndrome. Identifiers: Orphanet 140162, MedGen C0027672, MeSH D009386, MONDO:0015356.

Submissions (2):

Ambry Genetics
Classification: Likely benign for Hereditary cancer-predisposing syndrome. Last evaluated: 2021-11-10. Review status: criteria provided, single submitter. Criteria: Ambry Variant Classification Scheme 2023. Collection method: clinical testing. Allele origin: germline.

GeneDx
Classification: Likely benign. Last evaluated: 2017-01-02. Review status: criteria provided, single submitter. Criteria: GeneDx Variant Classification (06012015). Collection method: clinical testing. Allele origin: germline. Affected: yes.
Comment: This variant is considered likely benign or benign based on one or more of the following criteria: it is a conservative change, it occurs at a poorly conserved position in the protein, it is predicted to be benign by multiple in silico algorithms, and/or has population frequency not consistent with disease.

NM_000059.4(BRCA2):c.3975T>C (p.Thr1325=)

Gene: BRCA2 (BRCA2 DNA repair associated; plus strand). Cytogenetic location: 13q13.1.
Variant type: single nucleotide variant.
Coding change: c.3975T>C on transcript NM_000059.4 (MANE Select); coding-DNA position 3975, T replaced by C.
Protein change: p.Thr1325=; no amino-acid change (threonine 1325 retained).
Molecular consequence: synonymous variant.
Genome position (GRCh38, 1-based): chr13:32,338,330, T>C. VCF-style: chr13-32338330-T-C. GRCh37 (hg19) VCF-style: chr13-32912467-T-C.
Identifiers: ClinVar variation 392651 (VCV000392651.3), dbSNP rs1057524580, ClinGen allele CA16606681.